The following is an entry in ClinVar:

NM_000179.3(MSH6):c.833T>A (p.Ile278Lys)

Gene: MSH6 (mutS homolog 6; plus strand). Cytogenetic location: 2p16.3.
Variant type: single nucleotide variant.
Coding change: c.833T>A on transcript NM_000179.3 (MANE Select); coding-DNA position 833, T replaced by A.
Protein change: p.Ile278Lys; replaces isoleucine 278 with lysine.
Molecular consequence: missense variant. On other transcripts: 5 prime UTR variant (2).
Genome position (GRCh38, 1-based): chr2:47,798,816, T>A. VCF-style: chr2-47798816-T-A. GRCh37 (hg19) VCF-style: chr2-48025955-T-A.
Other names: c.443T>A, p.Ile148Lys (NM_001281492.2); c.-74T>A (NM_001281493.2, NM_001281494.2); short protein forms I278K, I148K.
Identifiers: ClinVar variation 230128 (VCV000230128.21), dbSNP rs876658406, ClinGen allele CA10578046.

ClinVar aggregate classification (germline): Uncertain significance. Review status: criteria provided, multiple submitters, no conflicts (2 of 4 stars). 6 submissions from 6 submitters: Uncertain significance (6). Last evaluated 2024-12-02.

Conditions:
Hereditary nonpolyposis colorectal neoplasms. Identifiers: MedGen C0009405, MeSH D003123.
Endometrial carcinoma. Also called: Endometrial carcinoma, somatic. Identifiers: MedGen C0476089, MONDO:0002447, OMIM 608089, HP:0012114.
Mismatch repair cancer syndrome 3. Identifiers: MedGen C5436807, MONDO:0030841, OMIM 619097.
Lynch syndrome 5 (LYNCH5). Also called: Colorectal cancer, hereditary nonpolyposis, type 5; Hereditary non-polyposis colorectal cancer, type 5. Identifiers: Orphanet 144, MedGen C1833477, MONDO:0013710, OMIM 614350. Disease mechanism: loss of function.
Hereditary cancer-predisposing syndrome. Also called: Hereditary neoplastic syndrome; Hereditary Cancer Syndrome; Neoplastic Syndromes, Hereditary; Tumor predisposition. Identifiers: Orphanet 140162, MedGen C0027672, MeSH D009386, MONDO:0015356.
Lynch syndrome. Identifiers: Orphanet 144, MedGen C4552100, MONDO:0005835. Disease mechanism: loss of function.

Submissions (6):

Labcorp Genetics (formerly Invitae), Labcorp
Classification: Uncertain significance for Hereditary nonpolyposis colorectal neoplasms. Last evaluated: 2024-12-02. Review status: criteria provided, single submitter. Criteria: Invitae Variant Classification Sherloc (09022015). Collection method: clinical testing. Allele origin: germline.
Comment: This sequence change replaces isoleucine, which is neutral and non-polar, with lysine, which is basic and polar, at codon 278 of the MSH6 protein (p.Ile278Lys). This variant is not present in population databases (gnomAD no frequency). This missense change has been observed in individual(s) with MSH6-related conditions (PMID: 10612827). ClinVar contains an entry for this variant (Variation ID: 230128). Invitae Evidence Modeling of protein sequence and biophysical properties (such as structural, functional, and spatial information, amino acid conservation, physicochemical variation, residue mobility, and thermodynamic stability) indicates that this missense variant is not expected to disrupt MSH6 protein function with a negative predictive value of 95%. In summary, the available evidence is currently insufficient to determine the role of this variant in disease. Therefore, it has been classified as a Variant of Uncertain Significance.

All of Us Research Program, National Institutes of Health
Classification: Uncertain significance for Lynch syndrome. Last evaluated: 2023-10-02. Review status: criteria provided, single submitter. Criteria: ACMG Guidelines, 2015. Collection method: clinical testing. Allele origin: germline. Inheritance: Autosomal dominant inheritance. Observed: 2 variant alleles, 2 heterozygotes.
Comment: This missense variant replaces isoleucine with lysine at codon 278 of the MSH6 protein. Computational prediction suggests that this variant may not impact protein structure and function (internally defined REVEL score threshold <= 0.5, PMID: 27666373). To our knowledge, functional studies have not been reported for this variant. This variant has been reported in an individual affected with an unspecified cancer (PMID: 28873162). This variant has not been identified in the general population by the Genome Aggregation Database (gnomAD). The available evidence is insufficient to determine the role of this variant in disease conclusively. Therefore, this variant is classified as a Variant of Uncertain Significance.

This study involves interpretation of variants in research participants for the purpose of population health screening. Participant phenotype was not available at the time of variant classification. Additional details can be found in publication PMID: 35346344, PMCID: PMC8962531

Color Diagnostics, LLC DBA Color Health
Classification: Uncertain significance for Hereditary cancer-predisposing syndrome. Last evaluated: 2023-08-09. Review status: criteria provided, single submitter. Criteria: ACMG Guidelines, 2015. Collection method: clinical testing. Allele origin: germline.
Comment: This missense variant replaces isoleucine with lysine at codon 278 of the MSH6 protein. Computational prediction suggests that this variant may not impact protein structure and function (internally defined REVEL score threshold <= 0.5, PMID: 27666373). To our knowledge, functional studies have not been reported for this variant. This variant has been reported in an individual affected with an unspecified cancer (PMID: 28873162). This variant has not been identified in the general population by the Genome Aggregation Database (gnomAD). The available evidence is insufficient to determine the role of this variant in disease conclusively. Therefore, this variant is classified as a Variant of Uncertain Significance.

Ambry Genetics
Classification: Uncertain significance for Hereditary cancer-predisposing syndrome. Last evaluated: 2023-06-08. Review status: criteria provided, single submitter. Criteria: Ambry Variant Classification Scheme 2023. Collection method: clinical testing. Allele origin: germline.
Comment: The p.I278K variant (also known as c.833T>A), located in coding exon 4 of the MSH6 gene, results from a T to A substitution at nucleotide position 833. The isoleucine at codon 278 is replaced by lysine, an amino acid with dissimilar properties. This amino acid position is not well conserved in available vertebrate species. In addition, this alteration is predicted to be tolerated by in silico analysis. Since supporting evidence is limited at this time, the clinical significance of this alteration remains unclear.

Sema4
Classification: Uncertain significance for Hereditary cancer-predisposing syndrome. Last evaluated: 2021-10-08. Review status: criteria provided, single submitter. Criteria: Sema4 Curation Guidelines. Collection method: curation. Allele origin: germline.
Comment: The MSH6 c.833T>A (p.I278K) variant has not been reported in the literature to our knowledge. This variant was not observed in the large and broad cohorts of the Genome Aggregation Database (PMID: 32461654). The variant has been reported in ClinVar (Variation ID: 230128). Functional studies have not been performed, and in silico predictions of the variant's effect on protein function are inconclusive. The evidence is insufficient to meet ACMG/AMP criteria for classifying the variant as benign or pathogenic. Thus, the clinical significance of this variant is currently uncertain.

Department of Pathology and Laboratory Medicine, Sinai Health System
Classification: Uncertain significance for Endometrial carcinoma; Lynch syndrome 5; Mismatch repair cancer syndrome 3. Last evaluated: 2021-07-30. Review status: criteria provided, single submitter. Criteria: ACMG Guidelines, 2015. Collection method: research. Allele origin: germline.

Literature cited by the submitters: PubMed 10612827 (cited by Labcorp Genetics (formerly Invitae), Labcorp); PubMed 28873162 (cited by All of Us Research Program, National Institutes of Health and Color Diagnostics, LLC DBA Color Health).